The following is an entry in ClinVar:

NM_014846.4(WASHC5):c.1029A>G (p.Gln343=)

Gene: WASHC5 (WASH complex subunit 5; minus strand). Cytogenetic location: 8q24.13.
Variant type: single nucleotide variant.
Coding change: c.1029A>G on transcript NM_014846.4 (MANE Select); coding-DNA position 1029, A replaced by G.
Protein change: p.Gln343=; no amino-acid change (glutamine 343 retained).
Molecular consequence: synonymous variant.
Genome position (GRCh38, 1-based): chr8:125,073,274, T>C on the plus strand (A>G on the coding strand, the complement: WASHC5 is on the minus strand). VCF-style: chr8-125073274-T-C. GRCh37 (hg19) VCF-style: chr8-126085516-T-C.
Other names: c.585A>G, p.Gln195= (NM_001330609.2).
Identifiers: ClinVar variation 361728 (VCV000361728.11), dbSNP rs140523354, ClinGen allele CA4873947.
Genomic context (GRCh38, chr8:125,073,274, plus strand): 5'-CAGAAGCTTTGGGATATTGTCCAGAACCATCTCCTCCCTTAAATAACCTTCTTTTAGAAA[T>C]TGCTGCACTTGAGCATGCACTCTTTCACTGACAGTAGCATATCTGCTTGCCTTGACAAAT-3'
Protein context (NP_055661.3, residues 333-353): VSERVHAQVQ[Gln343=]FLKEGYLREE

ClinVar aggregate classification (germline): Benign/Likely benign. Review status: criteria provided, multiple submitters, no conflicts (2 of 4 stars). 4 submissions from 4 submitters: Benign (3); Likely benign (1). Last evaluated 2026-01-05.

Conditions:
WASHC5-related disorder. Also called: WASHC5-related condition.
Ritscher-Schinzel syndrome. Also called: CRANIOCEREBELLOCARDIAC DYSPLASIA. Identifiers: Orphanet 7, MedGen C0796137, MONDO:0019078.
Hereditary spastic paraplegia 8 (SPG8). Also called: SPASTIC PARAPLEGIA 8, AUTOSOMAL DOMINANT. Identifiers: Orphanet 100989, MedGen C1863704, MONDO:0011339, OMIM 603563.

Allele frequency attached by ClinVar (database versions not stated): gnomAD exomes 0.00007 and 0.00017; ExAC 0.00021; 1000 Genomes Project 30x 0.00031; ESP Exome Variant Server 0.00069; gnomAD 0.00076 and 0.00083; TOPMed 0.00082.
gnomAD v4.1: 221 of 1,614,068 alleles (0.014%); highest among the groups gnomAD compares: African/African-American, 0.25%; no homozygotes.

Submissions (4):

Labcorp Genetics (formerly Invitae), Labcorp
Classification: Benign for Ritscher-Schinzel syndrome; Hereditary spastic paraplegia 8. Last evaluated: 2026-01-05. Review status: criteria provided, single submitter. Criteria: Invitae Variant Classification Sherloc (09022015). Collection method: clinical testing. Allele origin: germline.

PreventionGenetics, part of Exact Sciences
Classification: Likely benign for WASHC5-related condition. Last evaluated: 2024-10-13. Review status: criteria provided, single submitter. Criteria: ACMG Guidelines, 2015. Collection method: clinical testing. Allele origin: germline.
Comment: This variant is classified as likely benign based on ACMG/AMP sequence variant interpretation guidelines (Richards et al. 2015 PMID: 25741868, with internal and published modifications).

GeneDx
Classification: Benign. Last evaluated: 2021-10-07. Review status: criteria provided, single submitter. Criteria: GeneDx Variant Classification Process June 2021. Collection method: clinical testing. Allele origin: germline. Affected: yes.

Illumina Laboratory Services, Illumina
Classification: Benign for Hereditary spastic paraplegia 8. Last evaluated: 2018-01-12. Review status: criteria provided, single submitter. Criteria: ICSL Variant Classification Criteria 13 December 2019. Collection method: clinical testing. Allele origin: germline.
Comment: This variant was observed in the ICSL laboratory as part of a predisposition screen in an ostensibly healthy population. It had not been previously curated by ICSL or reported in the Human Gene Mutation Database (HGMD: prior to June 1st, 2018), and was therefore a candidate for classification through an automated scoring system. Utilizing variant allele frequency, disease prevalence and penetrance estimates, and inheritance mode, an automated score was calculated to assess if this variant is too frequent to cause the disease. Based on the score and internal cut-off values, a variant classified as benign is not then subjected to further curation. The score for this variant resulted in a classification of benign for this disease.